The following is an entry in ClinVar:

NM_015164.4(PLEKHM2):c.1411A>G (p.Ser471Gly)

Gene: PLEKHM2 (pleckstrin homology and RUN domain containing M2; plus strand). Cytogenetic location: 1p36.21.
Variant type: single nucleotide variant.
Coding change: c.1411A>G on transcript NM_015164.4 (MANE Select); coding-DNA position 1411, A replaced by G.
Protein change: p.Ser471Gly; replaces serine 471 with glycine.
Molecular consequence: missense variant.
Genome position (GRCh38, 1-based): chr1:15,727,483, A>G. VCF-style: chr1-15727483-A-G. GRCh37 (hg19) VCF-style: chr1-16053978-A-G.
Other names: c.1351A>G, p.Ser451Gly (NM_001410755.1); short protein forms S451G, S471G.
Identifiers: ClinVar variation 1966751 (VCV001966751.5), dbSNP rs2522444695, ClinGen allele CA338587127.

ClinVar aggregate classification (germline): Uncertain significance (1 of 4 stars; one submission).

Submission:

Labcorp Genetics (formerly Invitae), Labcorp
Classification: Uncertain significance. Last evaluated: 2022-09-13. Review status: criteria provided, single submitter. Criteria: Invitae Variant Classification Sherloc (09022015). Collection method: clinical testing. Allele origin: germline.
Comment: Algorithms developed to predict the effect of missense changes on protein structure and function are either unavailable or do not agree on the potential impact of this missense change (SIFT: "Tolerated"; PolyPhen-2: "Probably Damaging"; Align-GVGD: "Class C0"). In summary, the available evidence is currently insufficient to determine the role of this variant in disease. Therefore, it has been classified as a Variant of Uncertain Significance. This variant has not been reported in the literature in individuals affected with PLEKHM2-related conditions. This sequence change replaces serine, which is neutral and polar, with glycine, which is neutral and non-polar, at codon 471 of the PLEKHM2 protein (p.Ser471Gly). This variant is not present in population databases (gnomAD no frequency).